The following is an entry in ClinVar:

NM_001377.3(DYNC2H1):c.3498G>A (p.Trp1166Ter)

Gene: DYNC2H1 (dynein cytoplasmic 2 heavy chain 1; plus strand). Cytogenetic location: 11q22.3.
Variant type: single nucleotide variant.
Coding change: c.3498G>A on transcript NM_001377.3 (MANE Select); coding-DNA position 3498, G replaced by A.
Protein change: p.Trp1166Ter; replaces tryptophan 1166 with a stop codon.
Molecular consequence: nonsense.
Genome position (GRCh38, 1-based): chr11:103,154,734, G>A. VCF-style: chr11-103154734-G-A. GRCh37 (hg19) VCF-style: chr11-103025463-G-A.
Other names: c.3498G>A, p.Trp1166Ter (NM_001080463.2); short protein forms W1166*.
Identifiers: ClinVar variation 2699493 (VCV002699493.4), dbSNP rs1860732977, ClinGen allele CA382273349.
Genomic context (GRCh38, chr11:103,154,734, plus strand): 5'-TGTGTTTTTGGTATTTTATAGGACTAAGACATACCTGTTTGAGGAATTTTTGATGAACTG[G>A]CATGACAGATTAAGGAAGGTTGAAGAACATTCAGTGATGACAGTGAAATTACAATCAGAG-3'

ClinVar aggregate classification (germline): Pathogenic. Review status: criteria provided, multiple submitters, no conflicts (2 of 4 stars). 2 submissions from 2 submitters: Pathogenic (2). Last evaluated 2024-06-28.

Conditions:
Jeune thoracic dystrophy. Also called: Jeune syndrome; Infantile thoracic dystrophy; Thoracic pelvic phalangeal dystrophy; Jeune's syndrome; Chondroectodermal dysplasia-like syndrome; Short-rib thoracic dysplasia. Identifiers: Orphanet 474, MedGen C0265275, MONDO:0018770.
Asphyxiating thoracic dystrophy 3. Also called: Saldino-Noonan Syndrome; SHORT-RIB THORACIC DYSPLASIA 3 WITH OR WITHOUT POLYDACTYLY; POLYDACTYLY WITH NEONATAL CHONDRODYSTROPHY, TYPE I; SHORT-RIB THORACIC DYSPLASIA 3/6 WITH POLYDACTYLY, DIGENIC; Short rib polydactyly syndrome 2B. Identifiers: Orphanet 474, Orphanet 93269, Orphanet 93270, Orphanet 93271, MedGen C0036069, MONDO:0013127, OMIM 613091.

Submissions (2):

Myriad Genetics, Inc.
Classification: Pathogenic for Asphyxiating thoracic dystrophy 3. Last evaluated: 2024-06-28. Review status: criteria provided, single submitter. Criteria: Myriad Autosomal Dominant, Autosomal Recessive and X-Linked Classification Criteria (2023). Collection method: clinical testing. Allele origin: unknown.
Comment: NM_001377.2(DYNC2H1):c.3498G>A(W1166*) is expected to be pathogenic in the context of DYNC2H1-related disorders. This variant is predicted to lead to an abnormal or absent protein product due to the creation of a premature termination codon in DYNC2H1, a gene where loss-of-function variants are known to be pathogenic. Please note: this variant was assessed in the context of healthy population screening.

Labcorp Genetics (formerly Invitae), Labcorp
Classification: Pathogenic for Jeune thoracic dystrophy. Last evaluated: 2023-11-28. Review status: criteria provided, single submitter. Criteria: Invitae Variant Classification Sherloc (09022015). Collection method: clinical testing. Allele origin: germline.
Comment: This sequence change creates a premature translational stop signal (p.Trp1166*) in the DYNC2H1 gene. It is expected to result in an absent or disrupted protein product. Loss-of-function variants in DYNC2H1 are known to be pathogenic (PMID: 23339108, 32753734, 33755199). This variant is not present in population databases (gnomAD no frequency). This variant has not been reported in the literature in individuals affected with DYNC2H1-related conditions. For these reasons, this variant has been classified as Pathogenic.

Literature cited by the submitters: PubMed 23339108 (cited by Labcorp Genetics (formerly Invitae), Labcorp); PubMed 32753734 (cited by Labcorp Genetics (formerly Invitae), Labcorp); PubMed 33755199 (cited by Labcorp Genetics (formerly Invitae), Labcorp).